The following is an entry in ClinVar:

ClinVar aggregate classification (germline): Pathogenic/Likely pathogenic. Review status: criteria provided, multiple submitters, no conflicts (2 of 4 stars). 4 submissions from 4 submitters: Pathogenic (2); Likely pathogenic (2). Last evaluated 2023-04-11.

Conditions:
Arthrogryposis multiplex congenita (AMC). Also called: Guérin-Stern syndrome; Congenital multiple arthrogryposis; Fibrous ankylosis of multiple joints; Congenital arthromyodysplasia; Myodystrophia fetalis deformans; Otto syndrome. Identifiers: Orphanet 1037, MedGen C5779613, MeSH D001176, MONDO:0015168, HP:0002804.
Fetal akinesia deformation sequence 1 (FADS1). Also called: Pena-Shokeir syndrome type I; Fetal akinesia sequence. Identifiers: Orphanet 994, MedGen C1276035, MONDO:0100101, OMIM 208150, HP:0001989.
Microcephaly 5, primary, autosomal recessive (MCPH5). Also called: ASPM Primary Microcephaly. Identifiers: Orphanet 2512, MedGen C1837501, MONDO:0012106, OMIM 608716.

Submissions (4):

Genome-Nilou Lab
Classification: Likely pathogenic for Microcephaly 5, primary, autosomal recessive. Last evaluated: 2023-04-11. Review status: criteria provided, single submitter. Criteria: ACMG Guidelines, 2015. Collection method: clinical testing. Allele origin: germline. Affected: no.

Fulgent Genetics
Classification: Pathogenic for Microcephaly 5, primary, autosomal recessive. Last evaluated: 2022-03-09. Review status: criteria provided, single submitter. Criteria: ACMG Guidelines, 2015. Collection method: clinical testing. Allele origin: unknown.

Cirak Lab, University Hospital Cologne
Classification: Likely pathogenic for Arthrogryposis multiplex congenita; Fetal akinesia sequence. Last evaluated: 2019-06-28. Review status: criteria provided, single submitter. Criteria: ACMG Guidelines, 2015. Collection method: research. Allele origin: maternal. Affected: yes. Observed: 1 variant allele.

GeneDx
Classification: Pathogenic. Last evaluated: 2016-04-21. Review status: criteria provided, single submitter. Criteria: GeneDx Variant Classification (06012015). Collection method: clinical testing. Allele origin: germline. Affected: yes.
Comment: The c.3082+1 G>C splice site variant in the ASPM gene destroys the canonical splice donor site in intron 11. It ispredicted to cause abnormal gene splicing, either leading to an abnormal message that is subject to nonsense-mediatedmRNA decay, or to an abnormal protein product if the message is used for protein truncation. Although c.3082+1G>C has not been reported previously to our knowledge, it is expected to be a pathogenic variant.

Literature cited by the submitters: PubMed 31680123 (cited by Cirak Lab, University Hospital Cologne).

NM_018136.5(ASPM):c.3082+1G>C

Gene: ASPM (assembly factor for spindle microtubules; minus strand). Cytogenetic location: 1q31.3.
Variant type: single nucleotide variant.
Coding change: c.3082+1G>C on transcript NM_018136.5 (MANE Select); the canonical splice donor site of the intron after coding-DNA position 3082, G replaced by C.
Molecular consequence: splice donor variant.
Genome position (GRCh38, 1-based): chr1:197,125,045, C>G on the plus strand (G>C on the coding strand, the complement: ASPM is on the minus strand). VCF-style: chr1-197125045-C-G. GRCh37 (hg19) VCF-style: chr1-197094175-C-G.
Other names: c.3082+1G>C (NM_001206846.2).
Identifiers: ClinVar variation 280518 (VCV000280518.7), dbSNP rs886041709, ClinGen allele CA10602744.